The following is an entry in ClinVar:

ClinVar aggregate classification (germline): Likely benign (1 of 4 stars; one submission).

Allele frequency attached by ClinVar (database versions not stated): 1000 Genomes Project 30x 0.00031; ExAC 0.00083; TOPMed 0.00144; gnomAD 0.00209; gnomAD exomes 0.00228.
gnomAD v4.1: 3,477 of 1,535,450 alleles (0.23%); highest among the groups gnomAD compares: Non-Finnish European, 0.24%; 11 homozygotes.

Submission:

CeGaT Center for Human Genetics Tuebingen
Classification: Likely benign. Last evaluated: 2022-04-01. Review status: criteria provided, single submitter. Criteria: CeGaT Center For Human Genetics Tuebingen Variant Classification Criteria Version 2. Collection method: clinical testing. Allele origin: germline. Affected: yes. Observed: 2 variant alleles.
Comment: TEPSIN: BP4, BP7

NM_001363764.2(TEPSIN):c.684C>T (p.Pro228=)

Gene: TEPSIN (TEPSIN adaptor related protein complex 4 accessory protein; minus strand). Cytogenetic location: 17q25.3.
Variant type: single nucleotide variant.
Coding change: c.684C>T on transcript NM_001363764.2 (MANE Select); coding-DNA position 684, C replaced by T.
Protein change: p.Pro228=; no amino-acid change (proline 228 retained).
Molecular consequence: synonymous variant. On other transcripts: intron variant (1).
Genome position (GRCh38, 1-based): chr17:81,232,361, G>A on the plus strand (C>T on the coding strand, the complement: TEPSIN is on the minus strand). VCF-style: chr17-81232361-G-A. GRCh37 (hg19) VCF-style: chr17-79206161-G-A.
Other names: c.527-340C>T (NM_144679.3).
Identifiers: ClinVar variation 2648445 (VCV002648445.24), dbSNP rs568120334, ClinGen allele CA8830879.